The following is an entry in ClinVar:

ClinVar aggregate classification (germline): Likely benign (1 of 4 stars; one submission).

Conditions:
FIG4-related disorder. Also called: FIG4-related condition; FIG4-related disorders.

Submission:

PreventionGenetics, part of Exact Sciences
Classification: Likely benign for FIG4-related condition. Last evaluated: 2024-10-16. Review status: criteria provided, single submitter. Criteria: ACMG Guidelines, 2015. Collection method: clinical testing. Allele origin: germline.
Comment: This variant is classified as likely benign based on ACMG/AMP sequence variant interpretation guidelines (Richards et al. 2015 PMID: 25741868, with internal and published modifications).

NM_014845.6(FIG4):c.453A>C (p.Leu151=)

Gene: FIG4 (FIG4 phosphoinositide 5-phosphatase; plus strand). Cytogenetic location: 6q21.
Variant type: single nucleotide variant.
Coding change: c.453A>C on transcript NM_014845.6 (MANE Select); coding-DNA position 453, A replaced by C.
Protein change: p.Leu151=; no amino-acid change (leucine 151 retained).
Molecular consequence: synonymous variant.
Genome position (GRCh38, 1-based): chr6:109,732,643, A>C. VCF-style: chr6-109732643-A-C. GRCh37 (hg19) VCF-style: chr6-110053846-A-C.
Identifiers: ClinVar variation 4982452 (VCV004982452.1).
Genomic context (GRCh38, chr6:109,732,643, plus strand): 5'-GTGAGAAATAATAGTATTGGACAAATGAAATGTACTTTGTTTTTTTTTTTTTAGGTATCT[A>C]CGAATATTTCAAAATGTGGACCTATCTAGCAATTTTTACTTTAGGTAAGTGTGAGGTTAG-3'
Protein context (NP_055660.1, residues 141-161): RVTHPDEARY[Leu151=]RIFQNVDLSS